The following is an entry in ClinVar:

ClinVar aggregate classification (germline): Uncertain significance (1 of 4 stars; one submission).

Conditions:
Walker-Warburg congenital muscular dystrophy. Also called: Muscular dystrophy-dystroglycanopathy, type A; Walker-Warburg syndrome. Identifiers: Orphanet 899, MedGen C0265221, MONDO:0000171.

gnomAD v4.1: 1 of 1,493,728 alleles (0.000067%); highest among the groups gnomAD compares: Non-Finnish European, 0.000089%; no homozygotes.

Submission:

Labcorp Genetics (formerly Invitae), Labcorp
Classification: Uncertain significance for Walker-Warburg congenital muscular dystrophy. Last evaluated: 2021-10-05. Review status: criteria provided, single submitter. Criteria: Invitae Variant Classification Sherloc (09022015). Collection method: clinical testing. Allele origin: germline.
Comment: This sequence change replaces alanine with threonine at codon 271 of the FKRP protein (p.Ala271Thr). The alanine residue is weakly conserved and there is a small physicochemical difference between alanine and threonine. The frequency data for this variant in the population databases is considered unreliable, as metrics indicate insufficient coverage at this position in the ExAC database. This variant has not been reported in the literature in individuals affected with FKRP-related conditions. Algorithms developed to predict the effect of missense changes on protein structure and function output the following: SIFT: "Tolerated"; PolyPhen-2: "Benign"; Align-GVGD: "Class C0". The threonine amino acid residue is found in multiple mammalian species, which suggests that this missense change does not adversely affect protein function. In summary, the available evidence is currently insufficient to determine the role of this variant in disease. Therefore, it has been classified as a Variant of Uncertain Significance.

NM_024301.5(FKRP):c.811G>A (p.Ala271Thr)

Gene: FKRP (fukutin related protein; plus strand). Cytogenetic location: 19q13.32.
Variant type: single nucleotide variant.
Coding change: c.811G>A on transcript NM_024301.5 (MANE Select); coding-DNA position 811, G replaced by A.
Protein change: p.Ala271Thr; replaces alanine 271 with threonine.
Molecular consequence: missense variant.
Genome position (GRCh38, 1-based): chr19:46,756,261, G>A. VCF-style: chr19-46756261-G-A. GRCh37 (hg19) VCF-style: chr19-47259518-G-A.
Other names: c.811G>A, p.Ala271Thr (NM_001039885.3); short protein forms A271T.
Identifiers: ClinVar variation 1490131 (VCV001490131.3), dbSNP rs1331506516, ClinGen allele CA406496057.